The following is an entry in ClinVar:

NM_001378120.1(MBD5):c.4168A>G (p.Arg1390Gly)

Gene: MBD5 (methyl-CpG binding domain protein 5; plus strand). Cytogenetic location: 2q23.1.
Variant type: single nucleotide variant.
Coding change: c.4168A>G on transcript NM_001378120.1 (MANE Select); coding-DNA position 4168, A replaced by G.
Protein change: p.Arg1390Gly; replaces arginine 1390 with glycine.
Molecular consequence: missense variant.
Genome position (GRCh38, 1-based): chr2:148,489,800, A>G. VCF-style: chr2-148489800-A-G. GRCh37 (hg19) VCF-style: chr2-149247369-A-G.
Other names: c.3469A>G, p.Arg1157Gly (NM_018328.5); short protein forms R1157G, R1390G.
Identifiers: ClinVar variation 1438666 (VCV001438666.10), dbSNP rs773278945, ClinGen allele CA1900391.

ClinVar aggregate classification (germline): Uncertain significance (1 of 4 stars; one submission).

Conditions:
Intellectual developmental disorder, autosomal dominant 1. Also called: Intellectual disability, autosomal dominant 1; MBD5 Haploinsufficiency. Identifiers: Orphanet 228402, MedGen C1969562, MONDO:0007974, OMIM 156200.

Allele frequency attached by ClinVar (database versions not stated): gnomAD exomes below 0.00001; TOPMed below 0.00001; ExAC 0.00001; gnomAD 0.00001.
gnomAD v4.1: 3 of 1,613,996 alleles (0.00019%); highest among the groups gnomAD compares: Admixed American, 0.005%; no homozygotes.

Submission:

Labcorp Genetics (formerly Invitae), Labcorp
Classification: Uncertain significance for Intellectual developmental disorder, autosomal dominant 1. Last evaluated: 2025-01-30. Review status: criteria provided, single submitter. Criteria: Invitae Variant Classification Sherloc (09022015). Collection method: clinical testing. Allele origin: germline.
Comment: This sequence change replaces arginine, which is basic and polar, with glycine, which is neutral and non-polar, at codon 1157 of the MBD5 protein (p.Arg1157Gly). This variant is present in population databases (rs773278945, gnomAD 0.003%). This variant has not been reported in the literature in individuals affected with MBD5-related conditions. ClinVar contains an entry for this variant (Variation ID: 1438666). Experimental studies and prediction algorithms are not available or were not evaluated, and the functional significance of this variant is currently unknown. In summary, the available evidence is currently insufficient to determine the role of this variant in disease. Therefore, it has been classified as a Variant of Uncertain Significance.